The following is an entry in ClinVar:

NM_001243133.2(NLRP3):c.865G>A (p.Val289Met)

Gene: NLRP3 (NLR family pyrin domain containing 3; plus strand). Cytogenetic location: 1q44.
Variant type: single nucleotide variant.
Coding change: c.865G>A on transcript NM_001243133.2 (MANE Select); coding-DNA position 865, G replaced by A.
Protein change: p.Val289Met; replaces valine 289 with methionine.
Molecular consequence: missense variant.
Genome position (GRCh38, 1-based): chr1:247,424,314, G>A. VCF-style: chr1-247424314-G-A. GRCh37 (hg19) VCF-style: chr1-247587616-G-A.
Other names: c.865G>A, p.Val289Met (NM_001079821.3, NM_001127461.3, NM_001127462.3 and 1 more transcripts); c.871G>A, p.Val291Met (NM_004895.5); short protein forms V289M, V291M.
Identifiers: ClinVar variation 1364715 (VCV001364715.11), dbSNP rs145092553, ClinGen allele CA1494944.

ClinVar aggregate classification (germline): Uncertain significance. Review status: criteria provided, multiple submitters, no conflicts (2 of 4 stars). 4 submissions from 4 submitters: Uncertain significance (4). Last evaluated 2026-07-18.

Conditions:
NLRP3-related disorder. Also called: NLRP3-related condition; NLRP3-Related Disorders.
Autoinflammatory syndrome. Identifiers: Orphanet 93665, MedGen C3890737, MONDO:0019751.
Familial amyloid nephropathy with urticaria AND deafness (MWS). Also called: MUCKLE-WELLS SYNDROME; Urticaria, deafness and amyloidosis; CRYOPYRIN-ASSOCIATED PERIODIC SYNDROME 2; UDA SYNDROME; URTICARIA-DEAFNESS-AMYLOIDOSIS SYNDROME. Identifiers: Orphanet 575, MedGen C0268390, MONDO:0008633, OMIM 191900.
Hearing loss, autosomal dominant 34, with or without inflammation. Also called: DEAFNESS, AUTOSOMAL DOMINANT 34, WITH OR WITHOUT INFLAMMATION. Identifiers: MedGen C4521680, MONDO:0033261, OMIM 617772.
Chronic infantile neurological, cutaneous and articular syndrome (CINCA). Also called: Prieur Griscelli syndrome; CRYOPYRIN-ASSOCIATED PERIODIC SYNDROME 3; CINCA syndrome; CHRONIC NEUROLOGIC CUTANEOUS AND ARTICULAR SYNDROME. Identifiers: Orphanet 1451, MedGen C0409818, MONDO:0011776, OMIM 607115.
Familial cold autoinflammatory syndrome 1 (FCAS1). Also called: Familial cold inflammatory syndrome 1; CRYOPYRIN-ASSOCIATED PERIODIC SYNDROME 1. Identifiers: Orphanet 47045, MedGen C4551895, MONDO:0007349, OMIM 120100.
Keratitis fugax hereditaria. Also called: KERATOENDOTHELIITIS FUGAX HEREDITARIA. Identifiers: Orphanet 647815, MedGen C1835697, MONDO:0007849, OMIM 148200.
Cryopyrin associated periodic syndrome (CAPS). Identifiers: Orphanet 208650, MedGen C2316212, MONDO:0016168.

Allele frequency attached by ClinVar (database versions not stated): gnomAD exomes 0.00001 and 0.00002; ExAC 0.00003; ESP Exome Variant Server 0.00008.
gnomAD v4.1: 12 of 1,613,728 alleles (0.00074%); highest among the groups gnomAD compares: Middle Eastern, 0.033%; no homozygotes.

Submissions (4):

PreventionGenetics, part of Exact Sciences
Classification: Uncertain significance for NLRP3-related condition. Last evaluated: 2026-07-18. Review status: criteria provided, single submitter. Criteria: ACMG Guidelines, 2015. Collection method: clinical testing. Allele origin: germline.
Comment: The NLRP3 c.871G>A variant is predicted to result in the amino acid substitution p.Val291Met. To our knowledge, this variant has not been reported in the literature. This variant is reported in 0.0035% of alleles in individuals of European (Non-Finnish) descent in gnomAD. At this time, the clinical significance of this variant is uncertain due to the absence of conclusive functional and genetic evidence.

Labcorp Genetics (formerly Invitae), Labcorp
Classification: Uncertain significance for Cryopyrin associated periodic syndrome. Last evaluated: 2025-01-05. Review status: criteria provided, single submitter. Criteria: Invitae Variant Classification Sherloc (09022015). Collection method: clinical testing. Allele origin: germline.
Comment: This sequence change replaces valine, which is neutral and non-polar, with methionine, which is neutral and non-polar, at codon 291 of the NLRP3 protein (p.Val291Met). This variant is present in population databases (rs145092553, gnomAD 0.01%). This variant has not been reported in the literature in individuals affected with NLRP3-related conditions. ClinVar contains an entry for this variant (Variation ID: 1364715). Invitae Evidence Modeling of protein sequence and biophysical properties (such as structural, functional, and spatial information, amino acid conservation, physicochemical variation, residue mobility, and thermodynamic stability) indicates that this missense variant is not expected to disrupt NLRP3 protein function with a negative predictive value of 95%. In summary, the available evidence is currently insufficient to determine the role of this variant in disease. Therefore, it has been classified as a Variant of Uncertain Significance.

Fulgent Genetics
Classification: Uncertain significance for Familial cold autoinflammatory syndrome 1; Keratitis fugax hereditaria; Familial amyloid nephropathy with urticaria AND deafness; Chronic infantile neurological, cutaneous and articular syndrome; Hearing loss, autosomal dominant 34, with or without inflammation. Last evaluated: 2023-12-24. Review status: criteria provided, single submitter. Criteria: ACMG Guidelines, 2015. Collection method: clinical testing. Allele origin: germline.

Genome Diagnostics Laboratory, The Hospital for Sick Children
Classification: Uncertain significance for Autoinflammatory syndrome. Last evaluated: 2020-09-30. Review status: criteria provided, single submitter. Criteria: ACMG Guidelines, 2015. Collection method: clinical testing. Allele origin: germline. Affected: yes.